The following is an entry in ClinVar:

ClinVar aggregate classification (germline): Uncertain significance (1 of 4 stars; one submission).

Allele frequency attached by ClinVar (database versions not stated): gnomAD exomes below 0.00001.
gnomAD v4.1: 1 of 1,612,570 alleles (0.000062%); highest among the groups gnomAD compares: Admixed American, 0.0017%; no homozygotes.

Submission:

Ambry Genetics
Classification: Uncertain significance. Last evaluated: 2024-02-16. Review status: criteria provided, single submitter. Criteria: Ambry Variant Classification Scheme 2023. Collection method: clinical testing. Allele origin: germline.
Comment: The p.H1307N variant (also known as c.3919C>A), located in coding exon 16 of the POLQ gene, results from a C to A substitution at nucleotide position 3919. The histidine at codon 1307 is replaced by asparagine, an amino acid with similar properties. This amino acid position is conserved. In addition, this alteration is predicted to be tolerated by in silico analysis. Since supporting evidence is limited at this time, the clinical significance of this alteration remains unclear.

NM_199420.4(POLQ):c.3919C>A (p.His1307Asn)

Gene: POLQ (DNA polymerase theta; minus strand). Cytogenetic location: 3q13.33.
Variant type: single nucleotide variant.
Coding change: c.3919C>A on transcript NM_199420.4 (MANE Select); coding-DNA position 3919, C replaced by A.
Protein change: p.His1307Asn; replaces histidine 1307 with asparagine.
Molecular consequence: missense variant.
Genome position (GRCh38, 1-based): chr3:121,489,012, G>T on the plus strand (C>A on the coding strand, the complement: POLQ is on the minus strand). VCF-style: chr3-121489012-G-T. GRCh37 (hg19) VCF-style: chr3-121207859-G-T.
Other names: short protein forms H1307N.
Identifiers: ClinVar variation 1736165 (VCV001736165.2), dbSNP rs1159973704, ClinGen allele CA354096640.